The following is an entry in ClinVar:

ClinVar aggregate classification (germline): Uncertain significance (1 of 4 stars; one submission).

Submission:

Labcorp Genetics (formerly Invitae), Labcorp
Classification: Uncertain significance. Last evaluated: 2022-10-24. Review status: criteria provided, single submitter. Criteria: Invitae Variant Classification Sherloc (09022015). Collection method: clinical testing. Allele origin: germline.
Comment: ClinVar contains an entry for this variant (Variation ID: 1504396). This variant has not been reported in the literature in individuals affected with CLCN7-related conditions. This variant is not present in population databases (gnomAD no frequency). This sequence change falls in intron 15 of the CLCN7 gene. It does not directly change the encoded amino acid sequence of the CLCN7 protein. It affects a nucleotide within the consensus splice site. Variants that disrupt the consensus splice site are a relatively common cause of aberrant splicing (PMID: 17576681, 9536098). Algorithms developed to predict the effect of sequence changes on RNA splicing suggest that this variant may create or strengthen a splice site. In summary, the available evidence is currently insufficient to determine the role of this variant in disease. Therefore, it has been classified as a Variant of Uncertain Significance.

Literature cited by the submitters: PubMed 17576681; PubMed 9536098.

NM_001287.6(CLCN7):c.1329_1353+5dup

Gene: CLCN7 (chloride voltage-gated channel 7; minus strand). Cytogenetic location: 16p13.3.
Variant type: Duplication.
Coding change: c.1329_1353+5dup on transcript NM_001287.6 (MANE Select); coding-DNA position 1329 through 5 bases into the intron after coding-DNA position 1353, 30 bases duplicated (GGGCTCCATGTCCTACCCGCTGCAGGTGGG).
Molecular consequence: splice donor variant.
Genome position (GRCh38, 1-based): chr16:1,452,750-1,452,779, CCCACCTGCAGCGGGTAGGACATGGAGCCC duplicated on the plus strand (GGGCTCCATGTCCTACCCGCTGCAGGTGGG on the coding strand, the reverse complement: CLCN7 is on the minus strand); duplicating any 30 consecutive bases within chr16:1,452,750-1,452,782 gives the same sequence; the c. name uses the placement nearest the transcript's 3' end. VCF-style (leftmost placement, unchanged base first): chr16-1452749-T-TCCCACCTGCAGCGGGTAGGACATGGAGCCC. GRCh37 (hg19) VCF-style: chr16-1502750-T-TCCCACCTGCAGCGGGTAGGACATGGAGCCC.
Other names: c.1257_1281+5dup (NM_001114331.3).
Identifiers: ClinVar variation 1504396 (VCV001504396.6), dbSNP rs2142374540, ClinGen allele CA2573151713.
Genomic context (GRCh38, chr16:1,452,749, plus strand): 5'-GAGCCTCCTGGAGGCCGCCCTGTGGCTGCCCTGCCTGCTGGACCCCGCCCGGGCCCAGCC[T>TCCCACCTGCAGCGGGTAGGACATGGAGCCC]CCCACCTGCAGCGGGTAGGACATGGAGCCCCCCTGCAGGGGCTGGCAATCCCGCGACGAG-3'